The following is an entry in ClinVar:

NM_000166.6(GJB1):c.372G>T (p.Lys124Asn)

Gene: GJB1 (gap junction protein beta 1; plus strand). Cytogenetic location: Xq13.1.
Variant type: single nucleotide variant.
Coding change: c.372G>T on transcript NM_000166.6 (MANE Select); coding-DNA position 372, G replaced by T.
Protein change: p.Lys124Asn; replaces lysine 124 with asparagine.
Molecular consequence: missense variant.
Genome position (GRCh38, 1-based): chrX:71,224,079, G>T. VCF-style: chrX-71224079-G-T. GRCh37 (hg19) VCF-style: chrX-70443929-G-T.
Other names: c.372G>T, p.Lys124Asn (NM_001097642.3); short protein forms K124N.
Identifiers: ClinVar variation 2085595 (VCV002085595.4), dbSNP rs876661119, ClinGen allele CA413502068.

ClinVar aggregate classification (germline): Pathogenic (1 of 4 stars; one submission).

Conditions:
Charcot-Marie-Tooth Neuropathy X. Identifiers: MedGen CN118851.

Submission:

Labcorp Genetics (formerly Invitae), Labcorp
Classification: Pathogenic for Charcot-Marie-Tooth Neuropathy X. Last evaluated: 2025-07-14. Review status: criteria provided, single submitter. Criteria: Invitae Variant Classification Sherloc (09022015). Collection method: clinical testing. Allele origin: germline.
Comment: This sequence change replaces lysine, which is basic and polar, with asparagine, which is neutral and polar, at codon 124 of the GJB1 protein (p.Lys124Asn). This variant is not present in population databases (gnomAD no frequency). This missense change has been observed in individuals with clinical features of X-linked Charcot-Marie-Tooth disease (internal data). It has also been observed to segregate with disease in related individuals. ClinVar contains an entry for this variant (Variation ID: 2085595). Invitae Evidence Modeling of protein sequence and biophysical properties (such as structural, functional, and spatial information, amino acid conservation, physicochemical variation, residue mobility, and thermodynamic stability) has been performed for this missense variant. However, the output from this modeling did not meet the statistical confidence thresholds required to predict the impact of this variant on GJB1 protein function. For these reasons, this variant has been classified as Pathogenic.